The following is an entry in ClinVar:

ClinVar aggregate classification (germline): Uncertain significance (1 of 4 stars; one submission).

Conditions:
NCOA1-related disorder. Also called: NCOA1-related condition.

Submission:

PreventionGenetics, part of Exact Sciences
Classification: Uncertain significance for NCOA1-related condition. Last evaluated: 2024-10-09. Review status: criteria provided, single submitter. Criteria: ACMG Guidelines, 2015. Collection method: clinical testing. Allele origin: germline.
Comment: The NCOA1 c.1094A>G variant is predicted to result in the amino acid substitution p.Asp365Gly. To our knowledge, this variant has not been reported in the literature or in a large population database (gnomAD), indicating this variant is rare. At this time, the clinical significance of this variant is uncertain due to the absence of conclusive functional and genetic evidence.

NM_003743.5(NCOA1):c.1094A>G (p.Asp365Gly)

Gene: NCOA1 (nuclear receptor coactivator 1; plus strand). Cytogenetic location: 2p23.3.
Variant type: single nucleotide variant.
Coding change: c.1094A>G on transcript NM_003743.5 (MANE Select); coding-DNA position 1094, A replaced by G.
Protein change: p.Asp365Gly; replaces aspartic acid 365 with glycine.
Molecular consequence: missense variant.
Genome position (GRCh38, 1-based): chr2:24,705,230, A>G. VCF-style: chr2-24705230-A-G. GRCh37 (hg19) VCF-style: chr2-24928099-A-G.
Other names: c.1094A>G, p.Asp365Gly (NM_001362950.1, NM_001362952.1, NM_001362954.1 and 3 more transcripts); short protein forms D365G.
Identifiers: ClinVar variation 4998327 (VCV004998327.1).